The following is an entry in ClinVar:

ClinVar aggregate classification (germline): Uncertain significance. Review status: criteria provided, multiple submitters, no conflicts (2 of 4 stars). 2 submissions from 2 submitters: Uncertain significance (2). Last evaluated 2025-08-30.

Conditions:
Inborn genetic diseases. Identifiers: MedGen C0950123, MeSH D030342.

Submissions (2):

Ambry Genetics
Classification: Uncertain significance for Inborn genetic diseases. Last evaluated: 2025-08-30. Review status: criteria provided, single submitter. Criteria: Ambry Variant Classification Scheme 2023. Collection method: clinical testing. Allele origin: germline.

GeneDx
Classification: Uncertain significance. Last evaluated: 2024-09-03. Review status: criteria provided, single submitter. Criteria: GeneDx Variant Classification Process June 2021. Collection method: clinical testing. Allele origin: germline. Affected: yes.
Comment: Not observed at significant frequency in large population cohorts (gnomAD); In silico analysis supports that this missense variant has a deleterious effect on protein structure/function; Has not been previously published as pathogenic or benign to our knowledge

NM_018026.4(PACS1):c.2071G>A (p.Asp691Asn)

Gene: PACS1 (phosphofurin acidic cluster sorting protein 1; plus strand). Cytogenetic location: 11q13.2.
Variant type: single nucleotide variant.
Coding change: c.2071G>A on transcript NM_018026.4 (MANE Select); coding-DNA position 2071, G replaced by A.
Protein change: p.Asp691Asn; replaces aspartic acid 691 with asparagine.
Molecular consequence: missense variant.
Genome position (GRCh38, 1-based): chr11:66,234,209, G>A. VCF-style: chr11-66234209-G-A. GRCh37 (hg19) VCF-style: chr11-66001680-G-A.
Other names: c.2071G>A (NM_018026.2); short protein forms D691N.
Identifiers: ClinVar variation 1311171 (VCV001311171.4), dbSNP rs2134741381, ClinGen allele CA381374520.
Genomic context (GRCh38, chr11:66,234,209, plus strand): 5'-AAATACTTGGGGTCAGTCGACAGTAAATACAGTAGTTCCTTCCTGGATTCTGGTTGGAGA[G>A]ATCTGTTCAGTCGCTCGGAGCCACCAGTGTCAGGTAATGGCCCCGTGTAAGGAGCTTACT-3'
Protein context (NP_060496.2, residues 681-701): SSSFLDSGWR[Asp691Asn]LFSRSEPPVS